The following is an entry in ClinVar:

ClinVar aggregate classification (germline): Uncertain significance (1 of 4 stars; one submission).

Submission:

Labcorp Genetics (formerly Invitae), Labcorp
Classification: Uncertain significance. Last evaluated: 2023-02-22. Review status: criteria provided, single submitter. Criteria: Invitae Variant Classification Sherloc (09022015). Collection method: clinical testing. Allele origin: germline.
Comment: In summary, the available evidence is currently insufficient to determine the role of this variant in disease. Therefore, it has been classified as a Variant of Uncertain Significance. An algorithm developed to predict the effect of missense changes on protein structure and function (PolyPhen-2) suggests that this variant is likely to be disruptive. This variant has not been reported in the literature in individuals affected with AHDC1-related conditions. This variant is not present in population databases (gnomAD no frequency). This sequence change replaces proline, which is neutral and non-polar, with leucine, which is neutral and non-polar, at codon 1096 of the AHDC1 protein (p.Pro1096Leu).

NM_001371928.1(AHDC1):c.3287C>T (p.Pro1096Leu)

Gene: AHDC1 (AT-hook DNA binding motif containing 1; minus strand). Cytogenetic location: 1p36.11.
Variant type: single nucleotide variant.
Coding change: c.3287C>T on transcript NM_001371928.1 (MANE Select); coding-DNA position 3287, C replaced by T.
Protein change: p.Pro1096Leu; replaces proline 1096 with leucine.
Molecular consequence: missense variant.
Genome position (GRCh38, 1-based): chr1:27,548,829, G>A on the plus strand (C>T on the coding strand, the complement: AHDC1 is on the minus strand). VCF-style: chr1-27548829-G-A. GRCh37 (hg19) VCF-style: chr1-27875340-G-A.
Other names: c.3287C>T, p.Pro1096Leu (NM_001029882.3); short protein forms P1096L.
Identifiers: ClinVar variation 2839688 (VCV002839688.3), dbSNP rs2521878183, ClinGen allele CA339227539.